The following is an entry in ClinVar:

ClinVar aggregate classification (germline): Uncertain significance (1 of 4 stars; one submission).

Conditions:
Fanconi anemia complementation group J. Also called: BRIP1-Related Fanconi Anemia. Identifiers: Orphanet 84, MedGen C1836860, MONDO:0012187, OMIM 609054.
Familial cancer of breast. Also called: BREAST CANCER, FAMILIAL; Hereditary breast cancer; hereditary breast carcinoma. Identifiers: Orphanet 227535, MedGen C0346153, MONDO:0016419, OMIM 114480. Disease mechanism: loss of function.

Submission:

Labcorp Genetics (formerly Invitae), Labcorp
Classification: Uncertain significance for Familial cancer of breast; Fanconi anemia complementation group J. Last evaluated: 2023-02-16. Review status: criteria provided, single submitter. Criteria: Invitae Variant Classification Sherloc (09022015). Collection method: clinical testing. Allele origin: germline.
Comment: This variant has not been reported in the literature in individuals affected with BRIP1-related conditions. This sequence change replaces glycine, which is neutral and non-polar, with valine, which is neutral and non-polar, at codon 120 of the BRIP1 protein (p.Gly120Val). This variant is not present in population databases (gnomAD no frequency). Advanced modeling of protein sequence and biophysical properties (such as structural, functional, and spatial information, amino acid conservation, physicochemical variation, residue mobility, and thermodynamic stability) performed at Invitae indicates that this missense variant is not expected to disrupt BRIP1 protein function. In summary, the available evidence is currently insufficient to determine the role of this variant in disease. Therefore, it has been classified as a Variant of Uncertain Significance.

NM_032043.3(BRIP1):c.359G>T (p.Gly120Val)

Gene: BRIP1 (BRCA1 interacting DNA helicase 1; minus strand). Cytogenetic location: 17q23.2.
Variant type: single nucleotide variant.
Coding change: c.359G>T on transcript NM_032043.3 (MANE Select); coding-DNA position 359, G replaced by T.
Protein change: p.Gly120Val; replaces glycine 120 with valine.
Molecular consequence: missense variant.
Genome position (GRCh38, 1-based): chr17:61,857,078, C>A on the plus strand (G>T on the coding strand, the complement: BRIP1 is on the minus strand). VCF-style: chr17-61857078-C-A. GRCh37 (hg19) VCF-style: chr17-59934439-C-A.
Other names: short protein forms G120V.
Identifiers: ClinVar variation 2944360 (VCV002944360.3), dbSNP rs730881637, ClinGen allele CA400485299.